The following is an entry in ClinVar:

NM_020971.3(SPTBN4):c.3816C>T (p.Tyr1272=)

Gene: SPTBN4 (spectrin beta, non-erythrocytic 4; plus strand). Cytogenetic location: 19q13.2.
Variant type: single nucleotide variant.
Coding change: c.3816C>T on transcript NM_020971.3 (MANE Select); coding-DNA position 3816, C replaced by T.
Protein change: p.Tyr1272=; no amino-acid change (tyrosine 1272 retained).
Molecular consequence: synonymous variant.
Genome position (GRCh38, 1-based): chr19:40,523,598, C>T. VCF-style: chr19-40523598-C-T. GRCh37 (hg19) VCF-style: chr19-41029505-C-T.
Identifiers: ClinVar variation 3239381 (VCV003239381.19), dbSNP rs777108509.
Genomic context (GRCh38, chr19:40,523,598, plus strand): 5'-GCAAAAGATGCAGGTGGCCGTGCAGGCTGCAGAGGGCCTGCTGAGGCAGGGCAACATCTA[C>T]GGGGAGCAGGCTCAGGAGGCTGTGACCCGGCTGCTGGAGAAGTAGGTCCCCTAGACCCAT-3'
Protein context (NP_066022.2, residues 1262-1282): AEGLLRQGNI[Tyr1272=]GEQAQEAVTR

ClinVar aggregate classification (germline): Likely benign. Review status: criteria provided, multiple submitters, no conflicts (2 of 4 stars). 2 submissions from 2 submitters: Likely benign (2). Last evaluated 2024-08-12.

Allele frequency attached by ClinVar (database versions not stated): gnomAD 0.00001; TOPMed 0.00001; ExAC 0.00005; gnomAD exomes 0.00005.
gnomAD v4.1: 73 of 1,613,860 alleles (0.0045%); highest among the groups gnomAD compares: Non-Finnish European, 0.0054%; no homozygotes.

Submissions (2):

Blueprint Genetics
Classification: Likely benign. Last evaluated: 2024-08-12. Review status: criteria provided, single submitter. Criteria: ACMG Guidelines, 2015. Collection method: clinical testing. Allele origin: germline.

CeGaT Center for Human Genetics Tuebingen
Classification: Likely benign. Last evaluated: 2024-05-01. Review status: criteria provided, single submitter. Criteria: CeGaT Center For Human Genetics Tuebingen Variant Classification Criteria Version 2. Collection method: clinical testing. Allele origin: germline. Affected: yes. Observed: 1 variant allele.
Comment: SPTBN4: BP4, BP7